The following is an entry in ClinVar:

NM_000038.6(APC):c.7044A>G (p.Thr2348=)

Gene: APC (APC regulator of Wnt signaling pathway; plus strand). Cytogenetic location: 5q22.2.
Variant type: single nucleotide variant.
Coding change: c.7044A>G on transcript NM_000038.6 (MANE Select); coding-DNA position 7044, A replaced by G.
Protein change: p.Thr2348=; no amino-acid change (threonine 2348 retained).
Molecular consequence: synonymous variant.
Genome position (GRCh38, 1-based): chr5:112,842,638, A>G. VCF-style: chr5-112842638-A-G. GRCh37 (hg19) VCF-style: chr5-112178335-A-G.
Other names: c.7044A>G, p.Thr2348= (NM_001127510.3, NM_001354895.2); c.6990A>G, p.Thr2330= (NM_001127511.3); c.7098A>G, p.Thr2366= (NM_001354896.2); c.7074A>G, p.Thr2358= (NM_001354897.2); c.6969A>G, p.Thr2323= (NM_001354898.2); c.6960A>G, p.Thr2320= (NM_001354899.2); c.6921A>G, p.Thr2307= (NM_001354900.2); c.6867A>G, p.Thr2289= (NM_001354901.2); and 5 more.
Identifiers: ClinVar variation 378951 (VCV000378951.16), dbSNP rs1057520428, ClinGen allele CA16605193.
Genomic context (GRCh38, chr5:112,842,638, plus strand): 5'-AATTTCCCCTGGTAGAAATGGAATAAGTCCTCCTAACAAATTATCTCAACTTCCAAGGAC[A>G]TCATCCCCTAGTACTGCTTCAACTAAGTCCTCAGGTTCTGGAAAAATGTCATATACATCT-3'
Protein context (NP_000029.2, residues 2338-2358): PPNKLSQLPR[Thr2348=]SSPSTASTKS

ClinVar aggregate classification (germline): Benign/Likely benign. Review status: criteria provided, multiple submitters, no conflicts (2 of 4 stars). 4 submissions from 4 submitters: Benign (1); Likely benign (3). Last evaluated 2025-09-03.

Conditions:
Familial adenomatous polyposis 1 (FAP1). Also called: FAMILIAL ADENOMATOUS POLYPOSIS 1, ATTENUATED; POLYPOSIS, ADENOMATOUS INTESTINAL. Identifiers: MedGen C2713442, MONDO:0021056, OMIM 175100. Disease mechanism: loss of function.
Hereditary cancer-predisposing syndrome. Also called: Tumor predisposition; Hereditary neoplastic syndrome; Neoplastic Syndromes, Hereditary; Hereditary Cancer Syndrome. Identifiers: Orphanet 140162, MedGen C0027672, MeSH D009386, MONDO:0015356.

Allele frequency attached by ClinVar (database versions not stated): gnomAD exomes below 0.00001.
gnomAD v4.1: 1 of 1,613,974 alleles (0.000062%); highest among the groups gnomAD compares: East Asian, 0.0022%; no homozygotes.

Submissions (4):

Labcorp Genetics (formerly Invitae), Labcorp
Classification: Likely benign for Familial adenomatous polyposis 1. Last evaluated: 2025-09-03. Review status: criteria provided, single submitter. Criteria: Invitae Variant Classification Sherloc (09022015). Collection method: clinical testing. Allele origin: germline.

Myriad Genetics, Inc.
Classification: Benign for Familial adenomatous polyposis 1. Last evaluated: 2024-04-08. Review status: criteria provided, single submitter. Criteria: Myriad Autosomal Dominant, Autosomal Recessive and X-Linked Classification Criteria (2023). Collection method: clinical testing. Allele origin: unknown.
Comment: This variant is considered benign. This variant is a silent/synonymous amino acid change and it is not expected to impact splicing.

Ambry Genetics
Classification: Likely benign for Hereditary cancer-predisposing syndrome. Last evaluated: 2019-12-04. Review status: criteria provided, single submitter. Criteria: Ambry Variant Classification Scheme 2023. Collection method: clinical testing. Allele origin: germline.

GeneDx
Classification: Likely benign. Last evaluated: 2016-02-10. Review status: criteria provided, single submitter. Criteria: GeneDx Variant Classification (06012015). Collection method: clinical testing. Allele origin: germline. Affected: yes.
Comment: This variant is considered likely benign or benign based on one or more of the following criteria: it is a conservative change, it occurs at a poorly conserved position in the protein, it is predicted to be benign by multiple in silico algorithms, and/or has population frequency not consistent with disease.